The following is an entry in ClinVar:

ClinVar aggregate classification (germline): Uncertain significance (1 of 4 stars; one submission).

Submission:

Labcorp Genetics (formerly Invitae), Labcorp
Classification: Uncertain significance. Last evaluated: 2025-08-18. Review status: criteria provided, single submitter. Criteria: Invitae Variant Classification Sherloc (09022015). Collection method: clinical testing. Allele origin: germline.
Comment: This sequence change replaces serine, which is neutral and polar, with glycine, which is neutral and non-polar, at codon 638 of the TFRC protein (p.Ser638Gly). This variant is not present in population databases (gnomAD no frequency). This variant has not been reported in the literature in individuals affected with TFRC-related conditions. Invitae Evidence Modeling of protein sequence and biophysical properties (such as structural, functional, and spatial information, amino acid conservation, physicochemical variation, residue mobility, and thermodynamic stability) indicates that this missense variant is not expected to disrupt TFRC protein function with a negative predictive value of 80%. In summary, the available evidence is currently insufficient to determine the role of this variant in disease. Therefore, it has been classified as a Variant of Uncertain Significance.

NM_001128148.3(TFRC):c.1912A>G (p.Ser638Gly)

Gene: TFRC (transferrin receptor; minus strand). Cytogenetic location: 3q29.
Variant type: single nucleotide variant.
Coding change: c.1912A>G on transcript NM_001128148.3 (MANE Select); coding-DNA position 1912, A replaced by G.
Protein change: p.Ser638Gly; replaces serine 638 with glycine.
Molecular consequence: missense variant.
Genome position (GRCh38, 1-based): chr3:196,053,546, T>C on the plus strand (A>G on the coding strand, the complement: TFRC is on the minus strand). VCF-style: chr3-196053546-T-C. GRCh37 (hg19) VCF-style: chr3-195780417-T-C.
Other names: c.1669A>G, p.Ser557Gly (NM_001313965.2); c.1066A>G, p.Ser356Gly (NM_001313966.2); c.1912A>G, p.Ser638Gly (NM_003234.4); short protein forms S638G, S356G, S557G.
Identifiers: ClinVar variation 4746877 (VCV004746877.1).